The following is an entry in ClinVar:

NM_173651.4(FSIP2):c.19282A>C (p.Asn6428His)

Gene: FSIP2 (fibrous sheath interacting protein 2; plus strand). Cytogenetic location: 2q32.1.
Variant type: single nucleotide variant.
Coding change: c.19282A>C on transcript NM_173651.4 (MANE Select); coding-DNA position 19282, A replaced by C.
Protein change: p.Asn6428His; replaces asparagine 6428 with histidine.
Molecular consequence: missense variant.
Genome position (GRCh38, 1-based): chr2:185,808,588, A>C. VCF-style: chr2-185808588-A-C. GRCh37 (hg19) VCF-style: chr2-186673315-A-C.
Other names: short protein forms N6428H.
Identifiers: ClinVar variation 3057194 (VCV003057194.9), dbSNP rs190235420, ClinGen allele CA2017681.

ClinVar aggregate classification (germline): Likely benign. Review status: criteria provided, single submitter (1 of 4 stars). 2 submissions from 2 submitters: Likely benign (1). 1 of the submissions does not count toward it. Last evaluated 2026-02-01.

Conditions:
FSIP2-related disorder. Also called: FSIP2-related condition.

Allele frequency attached by ClinVar (database versions not stated): 1000 Genomes Project 30x 0.00156; 1000 Genomes Project 0.00160; ExAC 0.00165; gnomAD 0.00168; gnomAD exomes 0.00183; TOPMed 0.00198; ESP Exome Variant Server 0.00145.
gnomAD v4.1: 2,945 of 1,609,288 alleles (0.18%); highest among the groups gnomAD compares: Middle Eastern, 1.2%; 12 homozygotes.

Submissions (2):

CeGaT Center for Human Genetics Tuebingen
Classification: Likely benign. Last evaluated: 2026-02-01. Review status: criteria provided, single submitter. Criteria: CeGaT Center For Human Genetics Tuebingen Variant Classification Criteria Version 2. Collection method: clinical testing. Allele origin: germline. Affected: yes. Observed: 2 variant alleles.
Comment: FSIP2: BP4, BS2

PreventionGenetics, part of Exact Sciences
Classification: Likely benign for FSIP2-related condition. Last evaluated: 2022-05-20. Review status: no assertion criteria provided. Collection method: clinical testing. Allele origin: germline. Not counted in ClinVar's aggregate classification.
Comment: This variant is classified as likely benign based on ACMG/AMP sequence variant interpretation guidelines (Richards et al. 2015 PMID: 25741868, with internal and published modifications).